The following is an entry in ClinVar:

NM_001352514.2(HLCS):c.2041dup (p.Leu681fs)

Gene: HLCS (holocarboxylase synthetase; minus strand). Cytogenetic location: 21q22.13.
Variant type: Duplication.
Coding change: c.2041dup on transcript NM_001352514.2 (MANE Select); coding-DNA position 2041, one base duplicated (C; older notation c.2041dupC).
Protein change: p.Leu681fs; shifts the reading frame from leucine 681.
Molecular consequence: frameshift variant. On other transcripts: non-coding transcript variant (2).
Genome position (GRCh38, 1-based): chr21:36,765,092, G duplicated on the plus strand (C on the coding strand, the reverse complement: HLCS is on the minus strand). VCF-style (leftmost placement, unchanged base first): chr21-36765091-A-AG. GRCh37 (hg19) VCF-style: chr21-38137392-A-AG.
Other names: c.1600dup, p.Leu534fs (NM_000411.8, NM_001242784.3, NM_001242785.2 and 4 more transcripts); short protein forms L534fs, L681fs.
Identifiers: ClinVar variation 2818395 (VCV002818395.3), dbSNP rs2516872518, ClinGen allele CA2739267622.

ClinVar aggregate classification (germline): Pathogenic (1 of 4 stars; one submission).

Conditions:
Holocarboxylase synthetase deficiency. Also called: MULTIPLE CARBOXYLASE DEFICIENCY, EARLY ONSET. Identifiers: Orphanet 79242, MedGen C0268581, MONDO:0009666, OMIM 253270.

Submission:

Labcorp Genetics (formerly Invitae), Labcorp
Classification: Pathogenic for Holocarboxylase synthetase deficiency. Last evaluated: 2022-12-03. Review status: criteria provided, single submitter. Criteria: Invitae Variant Classification Sherloc (09022015). Collection method: clinical testing. Allele origin: germline.
Comment: This sequence change creates a premature translational stop signal (p.Leu534Profs*43) in the HLCS gene. It is expected to result in an absent or disrupted protein product. Loss-of-function variants in HLCS are known to be pathogenic (PMID: 16134170). This variant is not present in population databases (gnomAD no frequency). This variant has not been reported in the literature in individuals affected with HLCS-related conditions. For these reasons, this variant has been classified as Pathogenic.

Literature cited by the submitters: PubMed 16134170.